The following is an entry in ClinVar:

NM_001083962.2(TCF4):c.975dup (p.Lys326fs)

Gene: TCF4 (transcription factor 4; minus strand). Cytogenetic location: 18q21.2.
Variant type: Duplication.
Coding change: c.975dup on transcript NM_001083962.2 (MANE Select); coding-DNA position 975, one base duplicated (G; older notation c.975dupG).
Protein change: p.Lys326fs; shifts the reading frame from lysine 326.
Molecular consequence: frameshift variant.
Genome position (GRCh38, 1-based): chr18:55,261,481, C duplicated on the plus strand (G on the coding strand, the reverse complement: TCF4 is on the minus strand); the first of 4 consecutive C bases (chr18:55,261,481-55,261,484); duplicating any one gives the same sequence. VCF-style (leftmost placement, unchanged base first): chr18-55261480-T-TC. GRCh37 (hg19) VCF-style: chr18-52928711-T-TC.
Other names: c.900dup, p.Lys301fs (NM_001348220.1, NM_001369576.1, NM_001369578.1 and 3 more transcripts); c.975dup, p.Lys326fs (NM_001369567.1, NM_001369568.1, NM_001369571.1 and 4 more transcripts); c.972dup, p.Lys325fs (NM_001369569.1, NM_001369570.1, NM_001369573.1); c.903dup, p.Lys302fs (NM_001369575.1, NM_001369577.1, NM_001369582.1 and 9 more transcripts); c.969dup, p.Lys324fs (NM_001243230.2); c.849dup, p.Lys284fs (NM_001243231.2, NM_001348211.2); c.762dup, p.Lys255fs (NM_001243232.1, NM_001306208.1); c.585dup, p.Lys196fs (NM_001243233.2, NM_001330605.3, NM_001348212.2 and 1 more transcripts); and 4 more; short protein forms K110fs, K166fs, K196fs, K255fs, K284fs, K301fs, K302fs, K324fs.
Identifiers: ClinVar variation 2572407 (VCV002572407.1), dbSNP rs2512294848, ClinGen allele CA2580612578.

ClinVar aggregate classification (germline): Likely pathogenic (1 of 4 stars; one submission).

Conditions:
Pitt-Hopkins syndrome (PTHS). Also called: ENCEPHALOPATHY, SEVERE EPILEPTIC, WITH AUTONOMIC DYSFUNCTION; MENTAL RETARDATION, SYNDROMAL, WITH INTERMITTENT HYPERVENTILATION. Identifiers: Orphanet 2896, MedGen C1970431, MONDO:0012589, OMIM 610954.

Submission:

3billion
Classification: Likely pathogenic for Pitt-Hopkins syndrome. Review status: criteria provided, single submitter. Criteria: ACMG Guidelines, 2015. Collection method: clinical testing. Allele origin: unknown. Affected: yes. Observed: 1 heterozygote.
Comment: The variant is not observed in the gnomAD v2.1.1 dataset. The variant is predicted to result in a loss or disruption of normal protein function through nonsense-mediated decay (NMD) or protein truncation. Multiple pathogenic variants are reported downstream of the variant. Therefore, this variant is classified as Likely pathogenic according to the recommendation of ACMG/AMP guideline.